The following is an entry in ClinVar:

NM_021922.3(FANCE):c.1313T>G (p.Leu438Arg)

Gene: FANCE (FA complementation group E; plus strand). Cytogenetic location: 6p21.31.
Variant type: single nucleotide variant.
Coding change: c.1313T>G on transcript NM_021922.3 (MANE Select); coding-DNA position 1313, T replaced by G.
Protein change: p.Leu438Arg; replaces leucine 438 with arginine.
Molecular consequence: missense variant.
Genome position (GRCh38, 1-based): chr6:35,459,757, T>G. VCF-style: chr6-35459757-T-G. GRCh37 (hg19) VCF-style: chr6-35427534-T-G.
Other names: short protein forms L438R.
Identifiers: ClinVar variation 1495239 (VCV001495239.8), dbSNP rs2150897316, ClinGen allele CA363777293.

ClinVar aggregate classification (germline): Uncertain significance (1 of 4 stars; one submission).

Conditions:
Fanconi anemia complementation group E (FANCE). Also called: FANCE-Related Fanconi Anemia. Identifiers: Orphanet 84, MedGen C3160739, MONDO:0010953, OMIM 600901.

gnomAD v4.1: 1 of 1,613,984 alleles (0.000062%); highest among the groups gnomAD compares: Non-Finnish European, 0.000085%; no homozygotes.

Submission:

Labcorp Genetics (formerly Invitae), Labcorp
Classification: Uncertain significance for Fanconi anemia complementation group E. Last evaluated: 2025-01-23. Review status: criteria provided, single submitter. Criteria: Invitae Variant Classification Sherloc (09022015). Collection method: clinical testing. Allele origin: germline.
Comment: This sequence change replaces leucine, which is neutral and non-polar, with arginine, which is basic and polar, at codon 438 of the FANCE protein (p.Leu438Arg). This variant is not present in population databases (gnomAD no frequency). This variant has not been reported in the literature in individuals affected with FANCE-related conditions. ClinVar contains an entry for this variant (Variation ID: 1495239). Invitae Evidence Modeling of protein sequence and biophysical properties (such as structural, functional, and spatial information, amino acid conservation, physicochemical variation, residue mobility, and thermodynamic stability) indicates that this missense variant is expected to disrupt FANCE protein function with a positive predictive value of 80%. In summary, the available evidence is currently insufficient to determine the role of this variant in disease. Therefore, it has been classified as a Variant of Uncertain Significance.